The following is an entry in ClinVar:

ClinVar aggregate classification (germline): Uncertain significance (1 of 4 stars; one submission).

Conditions:
Inborn genetic diseases. Identifiers: MedGen C0950123, MeSH D030342.

Allele frequency attached by ClinVar (database versions not stated): gnomAD exomes 0.00001; ExAC 0.00002; TOPMed 0.00003; gnomAD 0.00005; 1000 Genomes Project 30x 0.00016; 1000 Genomes Project 0.00020.
gnomAD v4.1: 18 of 1,614,144 alleles (0.0011%); highest among the groups gnomAD compares: African/African-American, 0.011%; no homozygotes.

Submission:

Ambry Genetics
Classification: Uncertain significance for Inborn genetic diseases. Last evaluated: 2023-11-06. Review status: criteria provided, single submitter. Criteria: Ambry Variant Classification Scheme 2023. Collection method: clinical testing. Allele origin: germline.
Comment: The p.G281S variant (also known as c.841G>A), located in coding exon 6 of the BCKDHA gene, results from a G to A substitution at nucleotide position 841. The glycine at codon 281 is replaced by serine, an amino acid with similar properties. This amino acid position is conserved. In addition, this alteration is predicted to be deleterious by in silico analysis. Since supporting evidence is limited at this time, the clinical significance of this alteration remains unclear.

NM_000709.4(BCKDHA):c.841G>A (p.Gly281Ser)

Gene: BCKDHA (branched chain keto acid dehydrogenase E1 subunit alpha; plus strand). Cytogenetic location: 19q13.2.
Variant type: single nucleotide variant.
Coding change: c.841G>A on transcript NM_000709.4 (MANE Select); coding-DNA position 841, G replaced by A.
Protein change: p.Gly281Ser; replaces glycine 281 with serine.
Molecular consequence: missense variant.
Genome position (GRCh38, 1-based): chr19:41,422,358, G>A. VCF-style: chr19-41422358-G-A. GRCh37 (hg19) VCF-style: chr19-41928263-G-A.
Other names: c.841G>A, p.Gly281Ser (NM_001164783.2); short protein forms G281S.
Identifiers: ClinVar variation 3232228 (VCV003232228.1), dbSNP rs536778121, ClinGen allele CA9461270.